The following is an entry in ClinVar:

NM_001134363.3(RBM20):c.2686G>C (p.Glu896Gln)

Gene: RBM20 (RNA binding motif protein 20; plus strand). Cytogenetic location: 10q25.2.
Variant type: single nucleotide variant.
Coding change: c.2686G>C on transcript NM_001134363.3 (MANE Select); coding-DNA position 2686, G replaced by C.
Protein change: p.Glu896Gln; replaces glutamic acid 896 with glutamine.
Molecular consequence: missense variant.
Genome position (GRCh38, 1-based): chr10:110,821,305, G>C. VCF-style: chr10-110821305-G-C. GRCh37 (hg19) VCF-style: chr10-112581063-G-C.
Other names: short protein forms E896Q.
Identifiers: ClinVar variation 3787509 (VCV003787509.1).

ClinVar aggregate classification (germline): Uncertain significance (1 of 4 stars; one submission).

Conditions:
Cardiovascular phenotype. Identifiers: MedGen CN230736.

Submission:

Ambry Genetics
Classification: Uncertain significance for Cardiovascular phenotype. Last evaluated: 2024-12-29. Review status: criteria provided, single submitter. Criteria: Ambry Variant Classification Scheme 2023. Collection method: clinical testing. Allele origin: germline.
Comment: The p.E896Q variant (also known as c.2686G>C), located in coding exon 11 of the RBM20 gene, results from a G to C substitution at nucleotide position 2686. The glutamic acid at codon 896 is replaced by glutamine, an amino acid with highly similar properties. This amino acid position is conserved. In addition, the in silico prediction for this alteration is inconclusive. Based on the available evidence, the clinical significance of this variant remains unclear.